The following is an entry in ClinVar:

NM_001367624.2(ZNF469):c.2431C>G (p.Pro811Ala)

Gene: ZNF469 (zinc finger protein 469; plus strand). Cytogenetic location: 16q24.2.
Variant type: single nucleotide variant.
Coding change: c.2431C>G on transcript NM_001367624.2 (MANE Select); coding-DNA position 2431, C replaced by G.
Protein change: p.Pro811Ala; replaces proline 811 with alanine.
Molecular consequence: missense variant.
Genome position (GRCh38, 1-based): chr16:88,429,901, C>G. VCF-style: chr16-88429901-C-G. GRCh37 (hg19) VCF-style: chr16-88496309-C-G.
Other names: NM_001127464.1:c.2431C>G; short protein forms P811A.
Identifiers: ClinVar variation 5032272 (VCV005032272.1).

ClinVar aggregate classification (germline): Uncertain significance (1 of 4 stars; one submission).

Conditions:
Cardiovascular phenotype. Identifiers: MedGen CN230736.

gnomAD v4.1: 1 of 1,550,236 alleles (0.000065%); no homozygotes.

Submission:

Ambry Genetics
Classification: Uncertain significance for Cardiovascular phenotype. Last evaluated: 2026-09-04. Review status: criteria provided, single submitter. Criteria: Ambry Variant Classification Scheme 2023. Collection method: clinical testing. Allele origin: germline.
Comment: The p.P811A variant (also known as c.2431C>G), located in coding exon 1 of the ZNF469 gene, results from a C to G substitution at nucleotide position 2431. The proline at codon 811 is replaced by alanine, an amino acid with highly similar properties. This amino acid position is conserved. In addition, this alteration is predicted to be tolerated by in silico analysis. Based on the available evidence, the clinical significance of this variant remains unclear.